The following is an entry in ClinVar:

NM_001387430.1(SH2B1):c.1898-3C>T

Gene: SH2B1 (SH2B adaptor protein 1; plus strand). Cytogenetic location: 16p11.2.
Variant type: single nucleotide variant.
Coding change: c.1898-3C>T on transcript NM_001387430.1 (MANE Select); 3 bases into the intron before coding-DNA position 1898, C replaced by T.
Molecular consequence: intron variant.
Genome position (GRCh38, 1-based): chr16:28,873,444, C>T. VCF-style: chr16-28873444-C-T. GRCh37 (hg19) VCF-style: chr16-28884765-C-T.
Other names: c.1898-3C>T (NM_001308293.2, NM_001387404.1, NM_001145795.2); c.1998-3C>T (NM_015503.3, NM_001145812.2, NM_001145796.2); c.2051-3C>T (NM_001145797.2); c.990-3C>T (NM_001308294.2).
Identifiers: ClinVar variation 3034807 (VCV003034807.2), dbSNP rs1443809680, ClinGen allele CA719705176.

ClinVar aggregate classification (germline): Likely benign (0 of 4 stars; one submission).

Conditions:
SH2B1-related disorder. Also called: SH2B1-related condition.

Allele frequency attached by ClinVar (database versions not stated): gnomAD exomes below 0.00001; gnomAD 0.00001; TOPMed 0.00001.
gnomAD v4.1: 2 of 1,569,082 alleles (0.00013%); highest among the groups gnomAD compares: African/African-American, 0.0027%; no homozygotes.

Submission:

PreventionGenetics, part of Exact Sciences
Classification: Likely benign for SH2B1-related condition. Last evaluated: 2023-07-28. Review status: no assertion criteria provided. Collection method: clinical testing. Allele origin: germline.
Comment: This variant is classified as likely benign based on ACMG/AMP sequence variant interpretation guidelines (Richards et al. 2015 PMID: 25741868, with internal and published modifications).